The following is an entry in ClinVar:

NM_004187.5(KDM5C):c.1609G>T (p.Val537Leu)

Gene: KDM5C (lysine demethylase 5C; minus strand). Cytogenetic location: Xp11.22.
Variant type: single nucleotide variant.
Coding change: c.1609G>T on transcript NM_004187.5 (MANE Select); coding-DNA position 1609, G replaced by T.
Protein change: p.Val537Leu; replaces valine 537 with leucine.
Molecular consequence: missense variant. On other transcripts: non-coding transcript variant (3).
Genome position (GRCh38, 1-based): chrX:53,210,551, C>A on the plus strand (G>T on the coding strand, the complement: KDM5C is on the minus strand). VCF-style: chrX-53210551-C-A. GRCh37 (hg19) VCF-style: chrX-53239733-C-A.
Other names: c.1408G>T, p.Val470Leu (NM_001146702.2); c.1606G>T, p.Val536Leu (NM_001282622.3, NM_001353979.2, NM_001353982.2); c.1609G>T, p.Val537Leu (NM_001353978.3, NM_001353981.2, NM_001353984.2); short protein forms V470L, V536L, V537L.
Identifiers: ClinVar variation 3603072 (VCV003603072.1).

ClinVar aggregate classification (germline): Uncertain significance (1 of 4 stars; one submission).

Submission:

GeneDx
Classification: Uncertain significance. Last evaluated: 2024-08-01. Review status: criteria provided, single submitter. Criteria: GeneDx Variant Classification Process June 2021. Collection method: clinical testing. Allele origin: germline. Affected: yes.
Comment: Not observed at significant frequency in large population cohorts (gnomAD); In silico analysis indicates that this missense variant does not alter protein structure/function; Has not been previously published as pathogenic or benign to our knowledge